The following is an entry in ClinVar:

ClinVar aggregate classification (germline): Uncertain significance (1 of 4 stars; one submission).

Allele frequency attached by ClinVar (database versions not stated): gnomAD exomes 0.00001.
gnomAD v4.1: 3 of 1,609,036 alleles (0.00019%); highest among the groups gnomAD compares: Admixed American, 0.0033%; no homozygotes.

Submission:

Labcorp Genetics (formerly Invitae), Labcorp
Classification: Uncertain significance. Last evaluated: 2023-12-18. Review status: criteria provided, single submitter. Criteria: Invitae Variant Classification Sherloc (09022015). Collection method: clinical testing. Allele origin: germline.
Comment: This sequence change replaces cysteine, which is neutral and slightly polar, with tyrosine, which is neutral and polar, at codon 570 of the APPL1 protein (p.Cys570Tyr). This variant is present in population databases (no rsID available, gnomAD 0.006%). This variant has not been reported in the literature in individuals affected with APPL1-related conditions. Advanced modeling of protein sequence and biophysical properties (such as structural, functional, and spatial information, amino acid conservation, physicochemical variation, residue mobility, and thermodynamic stability) performed at Invitae indicates that this missense variant is not expected to disrupt APPL1 protein function with a negative predictive value of 80%. Algorithms developed to predict the effect of sequence changes on RNA splicing suggest that this variant may create or strengthen a splice site. In summary, the available evidence is currently insufficient to determine the role of this variant in disease. Therefore, it has been classified as a Variant of Uncertain Significance.

NM_012096.3(APPL1):c.1709G>A (p.Cys570Tyr)

Gene: APPL1 (adaptor protein, phosphotyrosine interacting with PH domain and leucine zipper 1; plus strand). Cytogenetic location: 3p14.3.
Variant type: single nucleotide variant.
Coding change: c.1709G>A on transcript NM_012096.3 (MANE Select); coding-DNA position 1709, G replaced by A.
Protein change: p.Cys570Tyr; replaces cysteine 570 with tyrosine.
Molecular consequence: missense variant.
Genome position (GRCh38, 1-based): chr3:57,260,641, G>A. VCF-style: chr3-57260641-G-A. GRCh37 (hg19) VCF-style: chr3-57294669-G-A.
Other names: short protein forms C570Y.
Identifiers: ClinVar variation 2786729 (VCV002786729.3), dbSNP rs1173233195, ClinGen allele CA353300941.